The following is an entry in ClinVar:

NM_002691.4(POLD1):c.819C>A (p.Tyr273Ter)

Gene: POLD1 (DNA polymerase delta 1, catalytic subunit; plus strand). Cytogenetic location: 19q13.33.
Variant type: single nucleotide variant.
Coding change: c.819C>A on transcript NM_002691.4 (MANE Select); coding-DNA position 819, C replaced by A.
Protein change: p.Tyr273Ter; replaces tyrosine 273 with a stop codon.
Molecular consequence: nonsense. On other transcripts: non-coding transcript variant (1).
Genome position (GRCh38, 1-based): chr19:50,402,514, C>A. VCF-style: chr19-50402514-C-A. GRCh37 (hg19) VCF-style: chr19-50905771-C-A.
Other names: c.819C>A, p.Tyr273Ter (NM_001256849.1, NM_001308632.1); c.819C>A (NM_002691.2); short protein forms Y273*.
Identifiers: ClinVar variation 1363213 (VCV001363213.9), dbSNP rs777427540, ClinGen allele CA406975053.

ClinVar aggregate classification (germline): Uncertain significance. Review status: criteria provided, multiple submitters, no conflicts (2 of 4 stars). 2 submissions from 2 submitters: Uncertain significance (2). Last evaluated 2026-06-24.

Conditions:
Hereditary cancer-predisposing syndrome. Also called: Hereditary Cancer Syndrome; Neoplastic Syndromes, Hereditary; Hereditary neoplastic syndrome; Tumor predisposition. Identifiers: Orphanet 140162, MedGen C0027672, MeSH D009386, MONDO:0015356.
POLD1-related polyposis and colorectal cancer syndrome (CRCS10). Also called: Colorectal cancer 10; Colorectal cancer, susceptibility to, 10; COLORECTAL CANCER, SUSCEPTIBILITY TO, ON CHROMOSOME 19q. Identifiers: Orphanet 220460, MedGen C2675481, MONDO:0012953, OMIM 612591.

Submissions (2):

Ambry Genetics
Classification: Uncertain significance for Hereditary cancer-predisposing syndrome. Last evaluated: 2026-06-24. Review status: criteria provided, single submitter. Criteria: Ambry Variant Classification Scheme 2023. Collection method: clinical testing. Allele origin: germline.
Comment: The p.Y273* variant (also known as c.819C>A), located in coding exon 6 of the POLD1 gene, results from a C to A substitution at nucleotide position 819. This changes the amino acid from a tyrosine to a stop codon within coding exon 6. This alteration is expected to result in loss of function by premature protein truncation or nonsense-mediated mRNA decay. However, loss of function has not been established as a mechanism of disease. Based on the available evidence, the clinical significance of this variant remains unclear.

Labcorp Genetics (formerly Invitae), Labcorp
Classification: Uncertain significance for POLD1-related polyposis and colorectal cancer syndrome. Last evaluated: 2021-01-07. Review status: criteria provided, single submitter. Criteria: Invitae Variant Classification Sherloc (09022015). Collection method: clinical testing. Allele origin: germline.
Comment: This variant is not present in population databases (ExAC no frequency). This variant has not been reported in the literature in individuals with POLD1-related conditions. Missense variants that disrupt the 3'-5' exonuclease (proof-reading) activity of the POLD1 protein, are associated with an increased risk for colonic adenomatous polyps and colon cancer (PMID: 23263490, 23447401). However loss-of-function variants, which result in an absent or severely disrupted POLD1 protein, and missense variants outside the exonuclease domain, are unlikely to be associated with polyposis or colon cancer. Without further clinical and genetic evidence, this variant has been classified as a Variant of Uncertain Significance. This sequence change creates a premature translational stop signal (p.Tyr273*) in the POLD1 gene. It is expected to result in an absent or disrupted protein product.

Literature cited by the submitters: PubMed 23263490 (cited by Labcorp Genetics (formerly Invitae), Labcorp); PubMed 23447401 (cited by Labcorp Genetics (formerly Invitae), Labcorp).